The following is an entry in ClinVar:

NM_017950.4(CCDC40):c.2387C>G (p.Ala796Gly)

Gene: CCDC40 (coiled-coil domain 40 molecular ruler complex subunit; plus strand). Cytogenetic location: 17q25.3.
Variant type: single nucleotide variant.
Coding change: c.2387C>G on transcript NM_017950.4 (MANE Select); coding-DNA position 2387, C replaced by G.
Protein change: p.Ala796Gly; replaces alanine 796 with glycine.
Molecular consequence: missense variant.
Genome position (GRCh38, 1-based): chr17:80,086,154, C>G. VCF-style: chr17-80086154-C-G. GRCh37 (hg19) VCF-style: chr17-78059953-C-G.
Other names: c.2387C>G, p.Ala796Gly (NM_001243342.2); short protein forms A796G.
Identifiers: ClinVar variation 325742 (VCV000325742.20), dbSNP rs139435501, ClinGen allele CA8814184.
Genomic context (GRCh38, chr17:80,086,154, plus strand): 5'-CCTGGCTGCGCCTGCAGCAGGAGATGGTCAAGGTGACACAGGAGCAGGAGGAGCAGCTGG[C>G]CTCCCTGGACGCATCCAAGAAGGAGCTCCACATCATGGAGCAGAAGAAACTACGAGTAGA-3'
Protein context (NP_060420.2, residues 786-806): KVTQEQEEQL[Ala796Gly]SLDASKKELH

ClinVar aggregate classification (germline): Conflicting classifications of pathogenicity. Review status: criteria provided, conflicting classifications (1 of 4 stars). 5 submissions from 5 submitters: Uncertain significance (2); Benign (1); Likely benign (1). 1 of the submissions does not count toward it. Last evaluated 2025-09-28.

Conditions:
CCDC40-related disorder. Also called: CCDC40-related condition.
Primary ciliary dyskinesia. Also called: Ciliary dyskinesia. Identifiers: Orphanet 244, MedGen C0008780, MONDO:0016575, HP:0012265.
Primary ciliary dyskinesia 15. Also called: CILIARY DYSKINESIA, PRIMARY, 15, WITH OR WITHOUT SITUS INVERSUS. Identifiers: Orphanet 244, MedGen C3151137, MONDO:0013435, OMIM 613808.

Allele frequency attached by ClinVar (database versions not stated): gnomAD exomes 0.00014 and 0.00068; gnomAD 0.00025 and 0.00030; TOPMed 0.00025; ExAC 0.00048; 1000 Genomes Project 30x 0.00156; 1000 Genomes Project 0.00200.
gnomAD v4.1: 265 of 1,613,888 alleles (0.016%); highest among the groups gnomAD compares: East Asian, 0.53%; 10 homozygotes.

Submissions (5):

Labcorp Genetics (formerly Invitae), Labcorp
Classification: Benign for Primary ciliary dyskinesia. Last evaluated: 2025-09-28. Review status: criteria provided, single submitter. Criteria: Invitae Variant Classification Sherloc (09022015). Collection method: clinical testing. Allele origin: germline.

GeneDx
Classification: Uncertain significance. Last evaluated: 2025-02-07. Review status: criteria provided, single submitter. Criteria: GeneDx Variant Classification Process June 2021. Collection method: clinical testing. Allele origin: germline. Affected: yes.
Comment: In silico analysis indicates that this missense variant does not alter protein structure/function; Has not been previously published as pathogenic or benign to our knowledge

Ambry Genetics
Classification: Likely benign for Primary ciliary dyskinesia. Last evaluated: 2024-04-05. Review status: criteria provided, single submitter. Criteria: Ambry Variant Classification Scheme 2023. Collection method: clinical testing. Allele origin: germline.

Illumina Laboratory Services, Illumina
Classification: Uncertain significance for Primary ciliary dyskinesia 15. Last evaluated: 2018-01-12. Review status: criteria provided, single submitter. Criteria: ICSL Variant Classification Criteria 13 December 2019. Collection method: clinical testing. Allele origin: germline.

PreventionGenetics, part of Exact Sciences
Classification: Benign for CCDC40-related condition. Last evaluated: 2020-02-05. Review status: no assertion criteria provided. Collection method: clinical testing. Allele origin: germline. Not counted in ClinVar's aggregate classification.
Comment: This variant is classified as benign based on ACMG/AMP sequence variant interpretation guidelines (Richards et al. 2015 PMID: 25741868, with internal and published modifications).